The following is an entry in ClinVar:

NM_001347721.2(DYRK1A):c.1871A>T (p.Tyr624Phe)

Gene: DYRK1A (dual specificity tyrosine phosphorylation regulated kinase 1A; plus strand). Cytogenetic location: 21q22.13.
Variant type: single nucleotide variant.
Coding change: c.1871A>T on transcript NM_001347721.2 (MANE Select); coding-DNA position 1871, A replaced by T.
Protein change: p.Tyr624Phe; replaces tyrosine 624 with phenylalanine.
Molecular consequence: missense variant. On other transcripts: 3 prime UTR variant (2).
Genome position (GRCh38, 1-based): chr21:37,512,137, A>T. VCF-style: chr21-37512137-A-T. GRCh37 (hg19) VCF-style: chr21-38884440-A-T.
Other names: c.1871A>T, p.Tyr624Phe (NM_001347722.2, NM_130436.2); c.1784A>T, p.Tyr595Phe (NM_001347723.2); c.1898A>T, p.Tyr633Phe (NM_001396.5); c.*274A>T (NM_101395.2); c.*183A>T (NM_130438.2); c.1898A>T (NM_001396.4); short protein forms Y633F, Y595F, Y624F.
Identifiers: ClinVar variation 589055 (VCV000589055.21), dbSNP rs147650865, ClinGen allele CA10024123.
Genomic context (GRCh38, chr21:37,512,137, plus strand): 5'-ACCACCATCACCACCACCATGGACAACAAGCCTTGGGTAACCGGACCAGGCCAAGGGTCT[A>T]CAATTCTCCAACGAATAGCTCCTCTACCCAAGATTCTATGGAGGTTGGCCACAGTCACCA-3'
Protein context (NP_001334650.1, residues 614-634): ALGNRTRPRV[Tyr624Phe]NSPTNSSSTQ

ClinVar aggregate classification (germline): Likely benign. Review status: criteria provided, multiple submitters, no conflicts (2 of 4 stars). 4 submissions from 4 submitters: Likely benign (4). Last evaluated 2026-06-12.

Conditions:
DYRK1A-related disorder.
DYRK1A-related intellectual disability syndrome (MRD7). Also called: Intellectual developmental disorder, autosomal dominant 7; DYRK1A Syndrome. Identifiers: Orphanet 464306, MedGen C5568143, MONDO:0013578, OMIM 614104.
Inborn genetic diseases. Identifiers: MedGen C0950123, MeSH D030342.

Allele frequency attached by ClinVar (database versions not stated): gnomAD exomes 0.00001 and 0.00003; ExAC 0.00003; TOPMed 0.00003; ESP Exome Variant Server 0.00008; gnomAD 0.00023; 1000 Genomes Project 0.00060; 1000 Genomes Project 30x 0.00062.
gnomAD v4.1: 58 of 1,614,198 alleles (0.0036%); highest among the groups gnomAD compares: Admixed American, 0.08%; no homozygotes.

Submissions (4):

Ambry Genetics
Classification: Likely benign for Inborn genetic diseases. Last evaluated: 2026-06-12. Review status: criteria provided, single submitter. Criteria: Ambry Variant Classification Scheme 2023. Collection method: clinical testing. Allele origin: germline.

Labcorp Genetics (formerly Invitae), Labcorp
Classification: Likely benign for DYRK1A-related intellectual disability syndrome. Last evaluated: 2026-01-28. Review status: criteria provided, single submitter. Criteria: Invitae Variant Classification Sherloc (09022015). Collection method: clinical testing. Allele origin: germline.

PreventionGenetics, part of Exact Sciences
Classification: Likely benign for DYRK1A-related condition. Last evaluated: 2025-09-24. Review status: criteria provided, single submitter. Criteria: ACMG Guidelines, 2015. Collection method: clinical testing. Allele origin: germline.
Comment: This variant is classified as likely benign based on ACMG/AMP sequence variant interpretation guidelines (Richards et al. 2015 PMID: 25741868, with internal and published modifications).

GeneDx
Classification: Likely benign. Last evaluated: 2019-11-14. Review status: criteria provided, single submitter. Criteria: GeneDx Variant Classification Process June 2021. Collection method: clinical testing. Allele origin: germline. Affected: yes.